The following is an entry in ClinVar:

ClinVar aggregate classification (germline): Uncertain significance. Review status: criteria provided, multiple submitters, no conflicts (2 of 4 stars). 2 submissions from 2 submitters: Uncertain significance (2). Last evaluated 2025-05-23.

Allele frequency attached by ClinVar (database versions not stated): gnomAD exomes below 0.00001; TOPMed below 0.00001.
gnomAD v4.1: 2 of 1,614,142 alleles (0.00012%); highest among the groups gnomAD compares: Admixed American, 0.0033%; no homozygotes.

Submissions (2):

Labcorp Genetics (formerly Invitae), Labcorp
Classification: Uncertain significance. Last evaluated: 2025-05-23. Review status: criteria provided, single submitter. Criteria: Invitae Variant Classification Sherloc (09022015). Collection method: clinical testing. Allele origin: germline.
Comment: This sequence change replaces alanine, which is neutral and non-polar, with glycine, which is neutral and non-polar, at codon 736 of the GSN protein (p.Ala736Gly). This variant is not present in population databases (gnomAD no frequency). This variant has not been reported in the literature in individuals affected with GSN-related conditions. ClinVar contains an entry for this variant (Variation ID: 432888). Invitae Evidence Modeling of protein sequence and biophysical properties (such as structural, functional, and spatial information, amino acid conservation, physicochemical variation, residue mobility, and thermodynamic stability) indicates that this missense variant is not expected to disrupt GSN protein function with a negative predictive value of 80%. In summary, the available evidence is currently insufficient to determine the role of this variant in disease. Therefore, it has been classified as a Variant of Uncertain Significance.

GeneDx
Classification: Uncertain significance. Last evaluated: 2019-07-03. Review status: criteria provided, single submitter. Criteria: GeneDx Variant Classification Process June 2021. Collection method: clinical testing. Allele origin: germline. Affected: yes.
Comment: Not observed in large population cohorts (Lek et al., 2016); Has not been previously published as pathogenic or benign to our knowledge

NM_198252.3(GSN):c.2054C>G (p.Ala685Gly)

Gene: GSN (gelsolin; plus strand). Cytogenetic location: 9q33.2.
Variant type: single nucleotide variant.
Coding change: c.2054C>G on transcript NM_198252.3 (MANE Select); coding-DNA position 2054, C replaced by G.
Protein change: p.Ala685Gly; replaces alanine 685 with glycine.
Molecular consequence: missense variant.
Genome position (GRCh38, 1-based): chr9:121,332,461, C>G. VCF-style: chr9-121332461-C-G. GRCh37 (hg19) VCF-style: chr9-124094739-C-G.
Other names: c.2105C>G, p.Ala702Gly (NM_001258029.2); c.2078C>G, p.Ala693Gly (NM_001258030.2); c.2054C>G, p.Ala685Gly (NM_001353053.1, NM_001353054.1, NM_001353055.2 and 10 more transcripts); c.2087C>G, p.Ala696Gly (NM_001353063.2, NM_001353064.2, NM_001353065.2 and 13 more transcripts); c.2207C>G, p.Ala736Gly (NM_000177.5); c.2162C>G, p.Ala721Gly (NM_001127663.2); c.2126C>G, p.Ala709Gly (NM_001353076.2); c.1400C>G, p.Ala467Gly (NM_001353078.2); short protein forms A696G, A736G, A467G, A702G, A709G, A685G, A693G, A721G.
Identifiers: ClinVar variation 432888 (VCV000432888.4), dbSNP rs1554828093, ClinGen allele CA374760393.